The following is an entry in ClinVar:

ClinVar aggregate classification (germline): Uncertain significance (1 of 4 stars; one submission).

Conditions:
RANBP2-related disorder. Also called: RANBP2-related condition.

gnomAD v4.1: 3 of 1,614,006 alleles (0.00019%); highest among the groups gnomAD compares: African/African-American, 0.004%; no homozygotes.

Submission:

PreventionGenetics, part of Exact Sciences
Classification: Uncertain significance for RANBP2-related condition. Last evaluated: 2025-03-14. Review status: criteria provided, single submitter. Criteria: ACMG Guidelines, 2015. Collection method: clinical testing. Allele origin: germline.
Comment: The RANBP2 c.3128A>T variant is predicted to result in the amino acid substitution p.Asp1043Val. To our knowledge, this variant has not been reported in the literature or in a large population database (gnomAD), indicating this variant is rare. At this time, the clinical significance of this variant is uncertain due to the absence of conclusive functional and genetic evidence.

NM_006267.5(RANBP2):c.3128A>T (p.Asp1043Val)

Gene: RANBP2 (RAN binding protein 2; plus strand). Cytogenetic location: 2q13.
Variant type: single nucleotide variant.
Coding change: c.3128A>T on transcript NM_006267.5 (MANE Select); coding-DNA position 3128, A replaced by T.
Protein change: p.Asp1043Val; replaces aspartic acid 1043 with valine.
Molecular consequence: missense variant.
Genome position (GRCh38, 1-based): chr2:108,763,667, A>T. VCF-style: chr2-108763667-A-T. GRCh37 (hg19) VCF-style: chr2-109380123-A-T.
Other names: c.3128A>T, p.Asp1043Val (NM_001415871.1, NM_001415873.1); c.3125A>T, p.Asp1042Val (NM_001415872.1); short protein forms D1042V, D1043V.
Identifiers: ClinVar variation 4990695 (VCV004990695.1).
Genomic context (GRCh38, chr2:108,763,667, plus strand): 5'-CACACACAACACAGCCAACTCCTTTTAAATTTAACTCAAATTTCAAATCAAATGATGGTG[A>T]CTTCACGTTTTCCTCACCACAGGTTGTGACACAGCCCCCTCCTGCAGCTTACAGTAACAG-3'
Protein context (NP_006258.3, residues 1033-1053): FNSNFKSNDG[Asp1043Val]FTFSSPQVVT